The following is an entry in ClinVar:

ClinVar aggregate classification (germline): Uncertain significance. Review status: criteria provided, multiple submitters, no conflicts (2 of 4 stars). 2 submissions from 2 submitters: Uncertain significance (2). Last evaluated 2025-11-14.

Conditions:
PROM1-related disorder. Also called: PROM1-related condition; PROM1-related disorders.

Allele frequency attached by ClinVar (database versions not stated): ExAC 0.00001; gnomAD 0.00004; TOPMed 0.00006; ESP Exome Variant Server 0.00008.
gnomAD v4.1: 14 of 1,613,552 alleles (0.00087%); highest among the groups gnomAD compares: African/African-American, 0.016%; no homozygotes.

Submissions (2):

PreventionGenetics, part of Exact Sciences
Classification: Uncertain significance for PROM1-related condition. Last evaluated: 2025-11-14. Review status: criteria provided, single submitter. Criteria: ACMG Guidelines, 2015. Collection method: clinical testing. Allele origin: germline.
Comment: The PROM1 c.2579C>T variant is predicted to result in the amino acid substitution p.Thr860Ile. To our knowledge, this variant has not been reported in the literature. This variant is present in 0.0083% of alleles in individuals of African descent in gnomAD. At this time, the clinical significance of this variant is uncertain due to the absence of conclusive functional and genetic evidence.

Labcorp Genetics (formerly Invitae), Labcorp
Classification: Uncertain significance. Last evaluated: 2024-11-14. Review status: criteria provided, single submitter. Criteria: Invitae Variant Classification Sherloc (09022015). Collection method: clinical testing. Allele origin: germline.
Comment: This sequence change replaces threonine, which is neutral and polar, with isoleucine, which is neutral and non-polar, at codon 860 of the PROM1 protein (p.Thr860Ile). This variant is present in population databases (rs373688106, gnomAD 0.008%). This variant has not been reported in the literature in individuals affected with PROM1-related conditions. ClinVar contains an entry for this variant (Variation ID: 1940700). An algorithm developed to predict the effect of missense changes on protein structure and function (PolyPhen-2) suggests that this variant is likely to be tolerated. In summary, the available evidence is currently insufficient to determine the role of this variant in disease. Therefore, it has been classified as a Variant of Uncertain Significance.

NM_006017.3(PROM1):c.2579C>T (p.Thr860Ile)

Gene: PROM1 (prominin 1; minus strand). Cytogenetic location: 4p15.32.
Variant type: single nucleotide variant.
Coding change: c.2579C>T on transcript NM_006017.3 (MANE Select); coding-DNA position 2579, C replaced by T.
Protein change: p.Thr860Ile; replaces threonine 860 with isoleucine.
Molecular consequence: missense variant. On other transcripts: intron variant (6).
Genome position (GRCh38, 1-based): chr4:15,979,398, G>A on the plus strand (C>T on the coding strand, the complement: PROM1 is on the minus strand). VCF-style: chr4-15979398-G-A. GRCh37 (hg19) VCF-style: chr4-15981021-G-A.
Other names: c.2579C>T (NM_006017.2); c.2552C>T, p.Thr851Ile (NM_001145847.2, NM_001145848.2, NM_001371406.1); c.2462+1024C>T (NM_001145852.2, NM_001371408.1, NM_001371407.1); c.2489+1024C>T (NM_001145850.2); c.2486+483C>T (NM_001145851.2); c.2513+483C>T (NM_001145849.2); short protein forms T851I, T860I.
Identifiers: ClinVar variation 1940700 (VCV001940700.6), dbSNP rs373688106, ClinGen allele CA2866318.